The following is an entry in ClinVar:

ClinVar aggregate classification (germline): Likely benign. Review status: criteria provided, multiple submitters, no conflicts (2 of 4 stars). 2 submissions from 2 submitters: Likely benign (2). Last evaluated 2025-10-28.

Conditions:
VPS13B-related disorder. Also called: VPS13B-related condition.
Cohen syndrome (COH1). Also called: PEPPER SYNDROME; Cutis verticis gyrata, retinitis pigmentosa, and sensorineural deafness. Identifiers: Orphanet 193, MedGen C0265223, MONDO:0008999, OMIM 216550.

Submissions (2):

PreventionGenetics, part of Exact Sciences
Classification: Likely benign for VPS13B-related condition. Last evaluated: 2025-10-28. Review status: criteria provided, single submitter. Criteria: ACMG Guidelines, 2015. Collection method: clinical testing. Allele origin: germline.
Comment: This variant is classified as likely benign based on ACMG/AMP sequence variant interpretation guidelines (Richards et al. 2015 PMID: 25741868, with internal and published modifications).

Labcorp Genetics (formerly Invitae), Labcorp
Classification: Likely benign for Cohen syndrome. Last evaluated: 2023-09-10. Review status: criteria provided, single submitter. Criteria: Invitae Variant Classification Sherloc (09022015). Collection method: clinical testing. Allele origin: germline.

NM_152564.5(VPS13B):c.937+10A>T

Gene: VPS13B (vacuolar protein sorting 13 homolog B; plus strand). Cytogenetic location: 8q22.2.
Variant type: single nucleotide variant.
Coding change: c.937+10A>T on transcript NM_152564.5 (MANE Select); 10 bases into the intron after coding-DNA position 937, A replaced by T.
Molecular consequence: intron variant.
Genome position (GRCh38, 1-based): chr8:99,115,884, A>T. VCF-style: chr8-99115884-A-T. GRCh37 (hg19) VCF-style: chr8-100128112-A-T.
Other names: c.937+10A>T (NM_017890.5, NM_015243.3, NM_181661.3 and 1 more transcripts).
Identifiers: ClinVar variation 2893366 (VCV002893366.4), dbSNP rs2488690111, ClinGen allele CA2739268900.